The following is an entry in ClinVar:

ClinVar aggregate classification (germline): Likely pathogenic (1 of 4 stars; one submission).

Conditions:
Spondyloepiphyseal dysplasia with congenital joint dislocations (SEDCJD). Also called: Chondrodysplasia with Congenital Joint Dislocations, CHST3-Related. Identifiers: Orphanet 263463, MedGen C1837657, MONDO:0007738, OMIM 143095.

Submission:

Clinical Genetics and Genomics, Karolinska University Hospital
Classification: Likely pathogenic for Spondyloepiphyseal dysplasia with congenital joint dislocations. Last evaluated: 2026-04-07. Review status: criteria provided, single submitter. Criteria: ACMG Guidelines, 2015. Collection method: clinical testing. Allele origin: inherited. Affected: yes.
Comment: Loss of function variants are associated with autosomal recessive spondyloepiphyseal dysplasia with congenital joint dislocations. The variant is absent or in very low frequency in gnomAD (PM2).

NM_004273.5(CHST3):c.942delinsTT (p.Ala315fs)

Gene: CHST3 (carbohydrate sulfotransferase 3; plus strand). Cytogenetic location: 10q22.1.
Variant type: Indel.
Coding change: c.942delinsTT on transcript NM_004273.5 (MANE Select); coding-DNA position 942, C replaced by TT.
Protein change: p.Ala315fs; shifts the reading frame from alanine 315.
Molecular consequence: frameshift variant.
Genome position (GRCh38, 1-based): chr10:72,007,973, C replaced by TT. VCF-style: chr10-72007973-C-TT. GRCh37 (hg19) VCF-style: chr10-73767731-C-TT.
Other names: c.942delinsTT, p.Ala315fs (NM_001441201.1, NM_001441202.1); short protein forms A315fs.
Identifiers: ClinVar variation 4850921 (VCV004850921.1).